The following is an entry in ClinVar:

NM_001372.4(DNAH9):c.11224A>C (p.Thr3742Pro)

Gene: DNAH9 (dynein axonemal heavy chain 9; plus strand). Cytogenetic location: 17p12.
Variant type: single nucleotide variant.
Coding change: c.11224A>C on transcript NM_001372.4 (MANE Select); coding-DNA position 11224, A replaced by C.
Protein change: p.Thr3742Pro; replaces threonine 3742 with proline.
Molecular consequence: missense variant.
Genome position (GRCh38, 1-based): chr17:11,891,888, A>C. VCF-style: chr17-11891888-A-C. GRCh37 (hg19) VCF-style: chr17-11795205-A-C.
Other names: c.160A>C, p.Thr54Pro (NM_004662.2); short protein forms T54P, T3742P.
Identifiers: ClinVar variation 2759241 (VCV002759241.3), dbSNP rs2544833355, ClinGen allele CA398200519.
Genomic context (GRCh38, chr17:11,891,888, plus strand): 5'-AGCCTCAGGGAGCGGGTGGCCAACCTAATAGACAGCATAACCTTCTCTGTGTACCAGTAC[A>C]CCATCCGCGGGCTCTTTGAGTGTGATAAGCTGACCTACCTTGCCCAGCTCACCTTTCAGG-3'
Protein context (NP_001363.2, residues 3732-3752): DSITFSVYQY[Thr3742Pro]IRGLFECDKL

ClinVar aggregate classification (germline): Uncertain significance (1 of 4 stars; one submission).

Allele frequency attached by ClinVar (database versions not stated): gnomAD exomes below 0.00001.
gnomAD v4.1: 1 of 1,614,094 alleles (0.000062%); highest among the groups gnomAD compares: South Asian, 0.0011%; no homozygotes.

Submission:

Labcorp Genetics (formerly Invitae), Labcorp
Classification: Uncertain significance. Last evaluated: 2023-09-09. Review status: criteria provided, single submitter. Criteria: Invitae Variant Classification Sherloc (09022015). Collection method: clinical testing. Allele origin: germline.
Comment: Advanced modeling of protein sequence and biophysical properties (such as structural, functional, and spatial information, amino acid conservation, physicochemical variation, residue mobility, and thermodynamic stability) performed at Invitae indicates that this missense variant is not expected to disrupt DNAH9 protein function. In summary, the available evidence is currently insufficient to determine the role of this variant in disease. Therefore, it has been classified as a Variant of Uncertain Significance. This variant has not been reported in the literature in individuals affected with DNAH9-related conditions. This variant is not present in population databases (gnomAD no frequency). This sequence change replaces threonine, which is neutral and polar, with proline, which is neutral and non-polar, at codon 3742 of the DNAH9 protein (p.Thr3742Pro).